The following is an entry in ClinVar:

ClinVar aggregate classification (germline): Conflicting classifications of pathogenicity. Review status: criteria provided, conflicting classifications (1 of 4 stars). 5 submissions from 4 submitters: Uncertain significance (2); Likely benign (1). 2 of the submissions do not count toward it. Last evaluated 2026-01-25.

Conditions:
Becker muscular dystrophy (BMD). Also called: MUSCULAR DYSTROPHY, PSEUDOHYPERTROPHIC PROGRESSIVE, BECKER TYPE; Becker Muscular Dystrophy (BMD). Identifiers: Orphanet 98895, MedGen C0917713, MONDO:0010311, OMIM 300376.
Dilated cardiomyopathy 3B (CMD3B). Also called: CMD3B: DMD-Related Dilated Cardiomyopathy; CARDIOMYOPATHY, DILATED, X-LINKED; DMD-Associated Dilated Cardiomyopathy. Identifiers: Orphanet 154, MedGen C3668940, MONDO:0010542, OMIM 302045.
Duchenne muscular dystrophy (DMD). Also called: MUSCULAR DYSTROPHY, PSEUDOHYPERTROPHIC PROGRESSIVE, DUCHENNE TYPE; Duchenne Muscular Dystrophy (DMD). Identifiers: Orphanet 98896, MedGen C0013264, MONDO:0010679, OMIM 310200.
Cardiovascular phenotype. Identifiers: MedGen CN230736.

Submissions (5):

Labcorp Genetics (formerly Invitae), Labcorp
Classification: Likely benign for Duchenne muscular dystrophy. Last evaluated: 2026-01-25. Review status: criteria provided, single submitter. Criteria: Invitae Variant Classification Sherloc (09022015). Collection method: clinical testing. Allele origin: germline.

Ambry Genetics
Classification: Uncertain significance for Cardiovascular phenotype. Last evaluated: 2025-10-29. Review status: criteria provided, single submitter. Criteria: Ambry Variant Classification Scheme 2023. Collection method: clinical testing. Allele origin: germline.
Comment: The c.5324_5325delAGinsGT variant (also known as p.K1775S), located in coding exon 37 of the DMD gene, results from an in-frame deletion of AG and insertion of GT at nucleotide positions 5324 to 5325. The lysine at codon 1775 is replaced by serine, an amino acid with dissimilar properties. However, this change also impacts the last base pair of coding exon 37, which makes it likely to have some effect on normal mRNA splicing. Based on data from gnomAD, this allele has an overall frequency of 0.003% (7/204980) total alleles studied, with 2 hemizygote(s) observed. The highest observed frequency was 0.037% (7/18995) of African alleles. These nucleotide and amino acid positions are highly conserved in available vertebrate species. This amino acid position is highly conserved in available vertebrate species. In silico splice site analysis predicts that this alteration may weaken the native splice donor site. In addition, as a missense substitution, this alteration is predicted to be neutral by in silico analysis (Choi Y et al. PLoS ONE. 2012; 7(10):e46688). Since supporting evidence is limited at this time, the clinical significance of this alteration remains unclear.

Fulgent Genetics
Classification: Uncertain significance for Becker muscular dystrophy; Dilated cardiomyopathy 3B; Duchenne muscular dystrophy. Last evaluated: 2022-01-07. Review status: criteria provided, single submitter. Criteria: ACMG Guidelines, 2015. Collection method: clinical testing. Allele origin: unknown.

Clinical Molecular Genetics Laboratory, Johns Hopkins All Children's Hospital
Classification: Pathogenic for Duchenne muscular dystrophy. Last evaluated: 2015-04-15. Review status: no assertion criteria provided. Collection method: clinical testing. Allele origin: germline. Affected: yes. Not counted in ClinVar's aggregate classification.

Clinical Molecular Genetics Laboratory, Johns Hopkins All Children's Hospital
Classification: Pathogenic for Becker muscular dystrophy. Last evaluated: 2015-04-15. Review status: no assertion criteria provided. Collection method: clinical testing. Allele origin: germline. Affected: yes. Not counted in ClinVar's aggregate classification.

NM_004006.3(DMD):c.5324_5325delinsGT (p.Lys1775Ser)

Gene: DMD (dystrophin; minus strand). Cytogenetic location: Xp21.1.
Variant type: Indel.
Coding change: c.5324_5325delinsGT on transcript NM_004006.3 (MANE Select); coding-DNA positions 5324 to 5325, AG replaced by GT.
Protein change: p.Lys1775Ser; replaces lysine 1775 with serine.
Molecular consequence: missense variant.
Genome position (GRCh38, 1-based): chrX:32,362,788-32,362,789, CT replaced by AC on the plus strand (AG replaced by GT on the coding strand, the reverse complement: DMD is on the minus strand). VCF-style: chrX-32362788-CT-AC. GRCh37 (hg19) VCF-style: chrX-32380905-CT-AC.
Other names: c.5324_5325delAGinsGT (NM_004006.2); c.5300_5301delinsGT, p.Lys1767Ser (NM_000109.4); c.5312_5313delinsGT, p.Lys1771Ser (NM_004009.3); c.4955_4956delinsGT, p.Lys1652Ser (NM_004010.3); c.1301_1302delinsGT, p.Lys434Ser (NM_004011.4); c.1292_1293delinsGT, p.Lys431Ser (NM_004012.4); short protein forms K1771S, K431S, K1652S, K1767S, K434S, K1775S.
Identifiers: ClinVar variation 492824 (VCV000492824.14), dbSNP rs1557303381, ClinGen allele CA658684290.
Genomic context (GRCh38, chrX:32,362,788, plus strand): 5'-GCGCAACCTTCGCAAGAGACCATTTAGCACAAGTTTCCACCTTGGAGTAGATCTTCCTAC[CT>AC]TTCCAGTCTTAATTCTGTGTGAAATGGCTGCAAATCGATGGTTGAGCTCTGAGATTTGGG-3'
Protein context (NP_003997.2, residues 1765-1785): AAISHRIKTG[Lys1775Ser]ASIPLKELEQ